The following is an entry in ClinVar:

NM_004984.4(KIF5A):c.796A>C (p.Ile266Leu)

Gene: KIF5A (kinesin family member 5A; plus strand). Cytogenetic location: 12q13.3.
Variant type: single nucleotide variant.
Coding change: c.796A>C on transcript NM_004984.4 (MANE Select); coding-DNA position 796, A replaced by C.
Protein change: p.Ile266Leu; replaces isoleucine 266 with leucine.
Molecular consequence: missense variant.
Genome position (GRCh38, 1-based): chr12:57,569,044, A>C. VCF-style: chr12-57569044-A-C. GRCh37 (hg19) VCF-style: chr12-57962827-A-C.
Other names: c.529A>C, p.Ile177Leu (NM_001354705.2); short protein forms I266L, I177L.
Identifiers: ClinVar variation 3637602 (VCV003637602.2).

ClinVar aggregate classification (germline): Uncertain significance (1 of 4 stars; one submission).

Conditions:
Spastic paraplegia. Identifiers: MedGen C0037772, HP:0001258.

Submission:

Labcorp Genetics (formerly Invitae), Labcorp
Classification: Uncertain significance for Spastic paraplegia. Last evaluated: 2024-12-17. Review status: criteria provided, single submitter. Criteria: Invitae Variant Classification Sherloc (09022015). Collection method: clinical testing. Allele origin: germline.
Comment: This sequence change replaces isoleucine, which is neutral and non-polar, with leucine, which is neutral and non-polar, at codon 266 of the KIF5A protein (p.Ile266Leu). This variant is not present in population databases (gnomAD no frequency). This variant has not been reported in the literature in individuals affected with KIF5A-related conditions. Invitae Evidence Modeling of protein sequence and biophysical properties (such as structural, functional, and spatial information, amino acid conservation, physicochemical variation, residue mobility, and thermodynamic stability) has been performed for this missense variant. However, the output from this modeling did not meet the statistical confidence thresholds required to predict the impact of this variant on KIF5A protein function. In summary, the available evidence is currently insufficient to determine the role of this variant in disease. Therefore, it has been classified as a Variant of Uncertain Significance.